The following is an entry in ClinVar:

NM_000384.3(APOB):c.7446A>G (p.Glu2482=)

Gene: APOB (apolipoprotein B; minus strand). Cytogenetic location: 2p24.1.
Variant type: single nucleotide variant.
Coding change: c.7446A>G on transcript NM_000384.3 (MANE Select); coding-DNA position 7446, A replaced by G.
Protein change: p.Glu2482=; no amino-acid change (glutamic acid 2482 retained).
Molecular consequence: synonymous variant.
Genome position (GRCh38, 1-based): chr2:21,009,422, T>C on the plus strand (A>G on the coding strand, the complement: APOB is on the minus strand). VCF-style: chr2-21009422-T-C. GRCh37 (hg19) VCF-style: chr2-21232294-T-C.
Identifiers: ClinVar variation 2681940 (VCV002681940.1), dbSNP rs1281732110, ClinGen allele CA425345144.
Genomic context (GRCh38, chr2:21,009,422, plus strand): 5'-TGAACTTAAAGCCTCCTGTAACCAATTGATGATTAAGGTTATTTTGGTGTCCTGTAGGCT[T>C]TCCAGATACACTGCAACTGTGGCCTTGGTTTCCTCTAAAAACAGTTTTAATGCTTCAGCT-3'
Protein context (NP_000375.3, residues 2472-2492): ETKATVAVYL[Glu2482=]SLQDTKITLI

ClinVar aggregate classification (germline): Uncertain significance (1 of 4 stars; one submission).

Allele frequency attached by ClinVar (database versions not stated): TOPMed below 0.00001; gnomAD 0.00001.
gnomAD v4.1: 1 of 1,613,964 alleles (0.000062%); highest among the groups gnomAD compares: African/African-American, 0.0013%; no homozygotes.

Submission:

Quest Diagnostics Nichols Institute San Juan Capistrano
Classification: Uncertain significance. Last evaluated: 2023-05-19. Review status: criteria provided, single submitter. Criteria: Quest Diagnostics criteria. Collection method: clinical testing. Allele origin: unknown.
Comment: To the best of our knowledge, this variant has not been reported in individuals with APOB-related conditions in the published literature. The frequency of this variant in the general population, 0.0000066 (1/152176 chromosomes (Genome Aggregation Database)), is uninformative in the assessment of its pathogenicity. Analysis of this variant using software algorithms for the prediction of the effect of nucleotide changes on splicing yielded predictions that this variant does not affect APOB mRNA splicing . Based on the available information, we are unable to determine the clinical significance of this variant.